The following is an entry in ClinVar:

NM_001376.5(DYNC1H1):c.3960+4T>G

Gene: DYNC1H1 (dynein cytoplasmic 1 heavy chain 1; plus strand). Cytogenetic location: 14q32.31.
Variant type: single nucleotide variant.
Coding change: c.3960+4T>G on transcript NM_001376.5 (MANE Select); 4 bases into the intron after coding-DNA position 3960, T replaced by G.
Molecular consequence: intron variant.
Genome position (GRCh38, 1-based): chr14:102,000,148, T>G. VCF-style: chr14-102000148-T-G. GRCh37 (hg19) VCF-style: chr14-102466485-T-G.
Identifiers: ClinVar variation 4713253 (VCV004713253.1).

ClinVar aggregate classification (germline): Uncertain significance (1 of 4 stars; one submission).

Conditions:
Charcot-Marie-Tooth disease axonal type 2O. Also called: CHARCOT-MARIE-TOOTH NEUROPATHY, AXONAL, TYPE 2O; CHARCOT-MARIE-TOOTH DISEASE, AXONAL, AUTOSOMAL DOMINANT, TYPE 2O; Charcot-Marie-Tooth Neuropathy Type 2O; Charcot-Marie-Tooth disease, axonal, type 20. Identifiers: Orphanet 284232, MedGen C3280220, MONDO:0013644, OMIM 614228.

Submission:

Labcorp Genetics (formerly Invitae), Labcorp
Classification: Uncertain significance for Charcot-Marie-Tooth disease axonal type 2O. Last evaluated: 2025-02-17. Review status: criteria provided, single submitter. Criteria: Invitae Variant Classification Sherloc (09022015). Collection method: clinical testing. Allele origin: germline.
Comment: This sequence change falls in intron 17 of the DYNC1H1 gene. It does not directly change the encoded amino acid sequence of the DYNC1H1 protein. It affects a nucleotide within the consensus splice site. This variant is not present in population databases (gnomAD no frequency). This variant has not been reported in the literature in individuals affected with DYNC1H1-related conditions. Variants that disrupt the consensus splice site are a relatively common cause of aberrant splicing (PMID: 17576681, 9536098). Algorithms developed to predict the effect of sequence changes on RNA splicing suggest that this variant is not likely to affect RNA splicing. In summary, the available evidence is currently insufficient to determine the role of this variant in disease. Therefore, it has been classified as a Variant of Uncertain Significance.

Literature cited by the submitters: PubMed 17576681; PubMed 9536098.